The following is an entry in ClinVar:

NM_001079802.2(FKTN):c.1181T>C (p.Phe394Ser)

Gene: FKTN (fukutin; plus strand). Cytogenetic location: 9q31.2.
Variant type: single nucleotide variant.
Coding change: c.1181T>C on transcript NM_001079802.2 (MANE Select); coding-DNA position 1181, T replaced by C.
Protein change: p.Phe394Ser; replaces phenylalanine 394 with serine.
Molecular consequence: missense variant. On other transcripts: synonymous variant (1), non-coding transcript variant (2).
Genome position (GRCh38, 1-based): chr9:105,635,059, T>C. VCF-style: chr9-105635059-T-C. GRCh37 (hg19) VCF-style: chr9-108397340-T-C.
Other names: p.F394S:TTT>TCT; c.1181T>C, p.Phe394Ser (NM_001198963.2, NM_001351496.2, NM_006731.2); c.1112T>C, p.Phe371Ser (NM_001351497.2); c.1212T>C, p.Val404= (NM_001351498.2); c.785T>C, p.Phe262Ser (NM_001351499.2, NM_001351500.2, NM_001351501.2 and 1 more transcripts); short protein forms F394S, F371S, F262S.
Identifiers: ClinVar variation 162571 (VCV000162571.9), dbSNP rs727502849, ClinGen allele CA295377.

ClinVar aggregate classification (germline): Conflicting classifications of pathogenicity. Review status: criteria provided, conflicting classifications (1 of 4 stars). 5 submissions from 5 submitters: Pathogenic (1); Uncertain significance (3). 1 of the submissions does not count toward it. Last evaluated 2025-02-17.

Conditions:
Walker-Warburg congenital muscular dystrophy. Also called: Muscular dystrophy-dystroglycanopathy, type A; Walker-Warburg syndrome. Identifiers: Orphanet 899, MedGen C0265221, MONDO:0000171.
Autosomal recessive limb-girdle muscular dystrophy type 2M. Also called: MUSCULAR DYSTROPHY-DYSTROGLYCANOPATHY (LIMB-GIRDLE), TYPE C, 4; MUSCULAR DYSTROPHY, LIMB-GIRDLE, TYPE 2M. Identifiers: Orphanet 206554, MedGen C1969040, MONDO:0012699, OMIM 611588.
Muscular dystrophy-dystroglycanopathy (congenital without impaired intellectual development), type B, 4. Also called: MUSCULAR DYSTROPHY, CONGENITAL, FKTN-RELATED; Muscular dystrophy-dystroglycanopathy (congenital without intellectual disability), type B4. Identifiers: MedGen C2751052, MONDO:0013156, OMIM 613152.
Dilated cardiomyopathy 1X (CMD1X). Also called: FKTN-Related Dilated Cardiomyopathy; CARDIOMYOPATHY, DILATED, WITH MILD OR NO PROXIMAL MUSCLE WEAKNESS. Identifiers: Orphanet 154, MedGen C1969024, MONDO:0012704, OMIM 611615.
Muscular dystrophy-dystroglycanopathy (congenital with brain and eye anomalies), type A1 (MDDGA1). Also called: WALKER-WARBURG SYNDROME OR MUSCLE-EYE-BRAIN DISEASE, POMT1-RELATED; Hydrocephalus, agyria and retinal dysplasia; Hard +/- E syndrome; Warburg syndrome; Chemke syndrome; Pagon syndrome. Identifiers: Orphanet 588, Orphanet 899, MedGen C4284790, MONDO:0009364, OMIM 236670.
Muscular dystrophy-dystroglycanopathy (congenital with brain and eye anomalies), type A, 4 (MDDGA4). Also called: Congenital muscular dystrophy-dystroglycanopathy with brain and eye anomalies, type A4; Muscular dystrophy, congenital progressive, with mental retardation; Muscular dystrophy, congenital, with central nervous system involvement; Cerebromuscular dystrophy, Fukuyama type; Walker-Warburg Syndrome, Fktn-Related; WALKER-WARBURG SYNDROME OR MUSCLE-EYE-BRAIN DISEASE, FKTN-RELATED. Identifiers: Orphanet 272, Orphanet 588, Orphanet 899, MedGen C0410174, MONDO:0009678, OMIM 253800.

Allele frequency attached by ClinVar (database versions not stated): gnomAD exomes below 0.00001 and 0.00001; ExAC 0.00001; gnomAD 0.00001.
gnomAD v4.1: 4 of 1,613,994 alleles (0.00025%); highest among the groups gnomAD compares: Admixed American, 0.0017%; no homozygotes.

Submissions (5):

Labcorp Genetics (formerly Invitae), Labcorp
Classification: Pathogenic for Walker-Warburg congenital muscular dystrophy. Last evaluated: 2025-02-17. Review status: criteria provided, single submitter. Criteria: Invitae Variant Classification Sherloc (09022015). Collection method: clinical testing. Allele origin: germline.
Comment: This sequence change replaces phenylalanine, which is neutral and non-polar, with serine, which is neutral and polar, at codon 394 of the FKTN protein (p.Phe394Ser). This variant is present in population databases (rs727502849, gnomAD 0.006%). This missense change has been observed in individual(s) with clinical features of Muscular dystrophy-dystroglycanopathy (internal data). In at least one individual the data is consistent with being in trans (on the opposite chromosome) from a pathogenic variant. ClinVar contains an entry for this variant (Variation ID: 162571). Invitae Evidence Modeling of protein sequence and biophysical properties (such as structural, functional, and spatial information, amino acid conservation, physicochemical variation, residue mobility, and thermodynamic stability) indicates that this missense variant is expected to disrupt FKTN protein function with a positive predictive value of 95%. For these reasons, this variant has been classified as Pathogenic.

Clinical Genomics Laboratory, Stanford Medicine
Classification: Uncertain significance for Muscular dystrophy-dystroglycanopathy (congenital with brain and eye anomalies), type A, 4. Last evaluated: 2022-01-03. Review status: criteria provided, single submitter. Criteria: ACMG Guidelines, 2015. Collection method: clinical testing. Allele origin: germline. Observed: 1 variant allele, 1 heterozygote.
Comment: The p.Phe394Ser variant in the FKTN gene has not been previously reported in association with disease. This variant has been identified in 3/282,738 chromosomes by the Genome Aggregation Database. Although this variant has been seen in the general population, it has been observed at a frequency low enough to be consistent with an autosomal recessive carrier status. The phenylalanine at position 394 is highly evolutionarily conserved. Computational tools predict that the p.Phe394Ser variant is deleterious; however, the accuracy of in silico algorithms is limited. These data were assessed using the ACMG/AMP variant interpretation guidelines. In summary, the significance of the p.Phe394Ser variant is uncertain. Additional information is needed to resolve the significance of this variant. [ACMG evidence codes used: PM2; PP3]

Fulgent Genetics
Classification: Uncertain significance for Muscular dystrophy-dystroglycanopathy (congenital with brain and eye anomalies), type A1; Muscular dystrophy-dystroglycanopathy (congenital with brain and eye anomalies), type A, 4; Autosomal recessive limb-girdle muscular dystrophy type 2M; Dilated cardiomyopathy 1X; Muscular dystrophy-dystroglycanopathy (congenital without impaired intellectual development), type B, 4. Last evaluated: 2021-12-05. Review status: criteria provided, single submitter. Criteria: ACMG Guidelines, 2015. Collection method: clinical testing. Allele origin: unknown.

GeneDx
Classification: Uncertain significance. Last evaluated: 2014-11-07. Review status: criteria provided, single submitter. Criteria: GeneDx Variant Classification (06012015). Collection method: clinical testing. Allele origin: germline. Affected: yes.
Comment: p.Phe394Ser (TTT>TCT): c.1181 T>C in exon 11 of the FKTN gene (NM_001079802.1) The F394S variant has not been published as a mutation, nor has it been reported as a benign polymorphism to our knowledge. It was not observed in approximately 6,500 individuals of European and African American ancestry in the NHLBI Exome Sequencing Project, indicating it is not a common benign variant in these populations. The F394S variant is a non-conservative amino acid substitution, which is likely to impact secondary protein structure as these residues differ in polarity, charge, size and/or other properties. This substitution occurs at a position that is conserved across species, and in silico analysis predicts this variant is probably damaging to the protein structure/function. However, other missense mutations in nearby residues have not been reported. Therefore, based on the currently available information, it is unclear whether the F394S variant is a pathogenic mutation or a rare benign variant. The variant is found in CORTICAL-BRAIN panel(s).

Natera, Inc.
Classification: Uncertain significance for Walker-Warburg congenital muscular dystrophy. Last evaluated: 2020-08-24. Review status: no assertion criteria provided. Collection method: clinical testing. Allele origin: germline. Not counted in ClinVar's aggregate classification.